The following is an entry in ClinVar:

NM_024426.6(WT1):c.490G>T (p.Ala164Ser)

Genes: WT1 (WT1 transcription factor; minus strand), LOC107982234 (WT1/WT1-AS bi-directional promoter region; plus strand). Cytogenetic location: 11p13.
Variant type: single nucleotide variant.
Coding change: c.490G>T on transcript NM_024426.6 (MANE Select); coding-DNA position 490, G replaced by T.
Protein change: p.Ala164Ser; replaces alanine 164 with serine.
Molecular consequence: missense variant. On other transcripts: non-coding transcript variant (2).
Genome position (GRCh38, 1-based): chr11:32,434,871, C>A on the plus strand (G>T on the coding strand, the complement: WT1 is on the minus strand). VCF-style: chr11-32434871-C-A. GRCh37 (hg19) VCF-style: chr11-32456417-C-A.
Other names: c.490G>T, p.Ala164Ser (NM_000378.6, NM_001407044.1, NM_001407045.1 and 6 more transcripts); c.271G>T, p.Ala91Ser (NM_001429031.1, NM_001429032.1, NM_001429033.1 and 1 more transcripts); short protein forms A159S, A91S, A164S.
Identifiers: ClinVar variation 3982454 (VCV003982454.3).

ClinVar aggregate classification (germline): Uncertain significance. Review status: criteria provided, multiple submitters, no conflicts (2 of 4 stars). 2 submissions from 2 submitters: Uncertain significance (2). Last evaluated 2025-05-26.

Conditions:
Inborn genetic diseases. Identifiers: MedGen C0950123, MeSH D030342.

gnomAD v4.1: 3 of 1,612,534 alleles (0.00019%); highest among the groups gnomAD compares: Non-Finnish European, 0.00025%; no homozygotes.

Submissions (2):

Dasa
Classification: Uncertain significance. Last evaluated: 2025-05-26. Review status: criteria provided, single submitter. Criteria: DASA Assertion Criteria. Collection method: clinical testing. Allele origin: germline.
Comment: NM_024426.6(WT1):c.490G>T (p.Ala164Ser) is a missense variant that results in the substitution of alanine with serine. This variant is rare in population databases. The currently available literature and clinical evidence are not sufficient to establish a definitive association between this variant and the reported condition. Therefore, this variant is classified as a variant of uncertain significance.

Ambry Genetics
Classification: Uncertain significance for Inborn genetic diseases. Last evaluated: 2025-04-24. Review status: criteria provided, single submitter. Criteria: Ambry Variant Classification Scheme 2023. Collection method: clinical testing. Allele origin: germline.
Comment: The p.A159S variant (also known as c.475G>T), located in coding exon 1 of the WT1 gene, results from a G to T substitution at nucleotide position 475. The alanine at codon 159 is replaced by serine, an amino acid with similar properties. This amino acid position is conserved. In addition, the in silico prediction for this alteration is inconclusive. Based on the available evidence, the clinical significance of this variant remains unclear.